The following is an entry in ClinVar:

ClinVar aggregate classification (germline): Conflicting classifications of pathogenicity. Review status: criteria provided, conflicting classifications (1 of 4 stars). 4 submissions from 4 submitters: Uncertain significance (1); Likely benign (3). Last evaluated 2026-06-23.

Conditions:
RYR1-related disorder. Also called: RYR1-related condition; RYR1-related disorders. Identifiers: MedGen CN239331.
Malignant hyperthermia, susceptibility to, 1 (MHS1). Also called: Anesthesia related hyperthermia; Malignant hyperpyrexia; Fulminating hyperpyrexia; Pharmacogenic myopathy; RYR1-Related Malignant Hyperthermia Susceptibility; Malignant hyperthermia suceptibility 1. Identifiers: Orphanet 423, MedGen C2930980, MONDO:0007783, OMIM 145600.

Allele frequency attached by ClinVar (database versions not stated): TOPMed below 0.00001; gnomAD 0.00001.
gnomAD v4.1: 1 of 1,612,412 alleles (0.000062%); highest among the groups gnomAD compares: Non-Finnish European, 0.000085%; no homozygotes.

Submissions (4):

Women's Health and Genetics/Laboratory Corporation of America, LabCorp
Classification: Likely benign. Last evaluated: 2026-06-23. Review status: criteria provided, single submitter. Criteria: LabCorp Variant Classification Summary - May 2015. Collection method: clinical testing. Allele origin: germline.

Color Diagnostics, LLC DBA Color Health
Classification: Likely benign for Malignant hyperthermia, susceptibility to, 1. Last evaluated: 2025-06-09. Review status: criteria provided, single submitter. Criteria: ACMG Guidelines, 2015. Collection method: clinical testing. Allele origin: germline.

Labcorp Genetics (formerly Invitae), Labcorp
Classification: Likely benign for RYR1-related disorder. Last evaluated: 2024-08-29. Review status: criteria provided, single submitter. Criteria: Invitae Variant Classification Sherloc (09022015). Collection method: clinical testing. Allele origin: germline.

All of Us Research Program, National Institutes of Health
Classification: Uncertain significance for Malignant hyperthermia, susceptibility to, 1. Last evaluated: 2023-04-03. Review status: criteria provided, single submitter. Criteria: ACMG Guidelines, 2015. Collection method: clinical testing. Allele origin: germline. Inheritance: Autosomal dominant inheritance. Observed: 1 variant allele, 1 heterozygote.
Comment: This variant is located in the RYR1 protein. To our knowledge, functional studies have not been reported for this variant. This variant has not been reported in individuals affected with RYR1-related disorders in the literature. This variant has not been identified in the general population by the Genome Aggregation Database (gnomAD). The available evidence is insufficient to determine the role of this variant in disease conclusively. Therefore, this variant is classified as a Variant of Uncertain Significance.

This study involves interpretation of variants in research participants for the purpose of population health screening. Participant phenotype was not available at the time of variant classification. Additional details can be found in publication PMID: 35346344, PMCID: PMC8962531

NM_000540.3(RYR1):c.6366C>T (p.Ser2122=)

Gene: RYR1 (ryanodine receptor 1; plus strand). Cytogenetic location: 19q13.2.
Variant type: single nucleotide variant.
Coding change: c.6366C>T on transcript NM_000540.3 (MANE Select); coding-DNA position 6366, C replaced by T.
Protein change: p.Ser2122=; no amino-acid change (serine 2122 retained).
Molecular consequence: synonymous variant.
Genome position (GRCh38, 1-based): chr19:38,494,443, C>T. VCF-style: chr19-38494443-C-T. GRCh37 (hg19) VCF-style: chr19-38985083-C-T.
Other names: c.6366C>T, p.Ser2122= (NM_001042723.2).
Identifiers: ClinVar variation 3070263 (VCV003070263.5), dbSNP rs946992657, ClinGen allele CA308102221.